The following is an entry in ClinVar:

NM_000218.3(KCNQ1):c.1831G>A (p.Asp611Asn)

Genes: KCNQ1 (potassium voltage-gated channel subfamily Q member 1; plus strand), KCNQ1-AS1 (KCNQ1 antisense RNA 1; minus strand). Cytogenetic location: 11p15.4.
Variant type: single nucleotide variant.
Coding change: c.1831G>A on transcript NM_000218.3 (MANE Select); coding-DNA position 1831, G replaced by A.
Protein change: p.Asp611Asn; replaces aspartic acid 611 with asparagine.
Molecular consequence: missense variant.
Genome position (GRCh38, 1-based): chr11:2,847,803, G>A. VCF-style: chr11-2847803-G-A. GRCh37 (hg19) VCF-style: chr11-2869033-G-A.
Other names: p.D611N:GAC>AAC; NM_000218.3(KCNQ1):c.1831G>A; c.1831G>A (LRG_287t1); c.1735G>A, p.Asp579Asn (NM_001406836.1); c.1561G>A, p.Asp521Asn (NM_001406837.1); c.1291G>A, p.Asp431Asn (NM_001406838.1); c.343G>A, p.Asp115Asn (NM_001406839.1); c.1450G>A, p.Asp484Asn (NM_181798.2); short protein forms D611N, D484N, D431N, D115N, D521N, D579N.
Identifiers: ClinVar variation 67059 (VCV000067059.50), dbSNP rs147445322, ClinGen allele CA006476.

ClinVar aggregate classification (germline): Uncertain significance. Review status: reviewed by expert panel (3 of 4 stars). 18 submissions from 18 submitters: Uncertain significance (1). 17 of the submissions do not count toward it. Last evaluated 2025-07-01.

Conditions:
Cardiac arrhythmia. Also called: Arrhythmia; Cardiac rhythm disease. Identifiers: MedGen C0003811, MONDO:0007263, HP:0011675.
Cardiovascular phenotype. Identifiers: MedGen CN230736.
KCNQ1-related disorder. Also called: KCNQ1-related condition; KCNQ1-related disorders. Identifiers: MedGen CN239322.
Familial long QT syndrome (RWS). Also called: Congenital long QT syndrome; Romano-Ward syndrome; VENTRICULAR FIBRILLATION WITH PROLONGED QT INTERVAL. Identifiers: Orphanet 768, MedGen C1141890, MONDO:0019171.
Long QT syndrome (LQTS). Identifiers: MedGen C0023976, MeSH D008133, MONDO:0002442. Disease mechanism: loss of function. Inheritance: Various modes of inheritance.
Long QT syndrome 1 (LQT1). Identifiers: Orphanet 101016, Orphanet 768, MedGen C4551647, MONDO:0100316, OMIM 192500, MONDO:0008646.

Allele frequency attached by ClinVar (database versions not stated): TOPMed 0.00006; ExAC 0.00022; 1000 Genomes Project 30x 0.00016; ESP Exome Variant Server 0.00031; gnomAD 0.00007; 1000 Genomes Project 0.00020.
gnomAD v4.1: 119 of 1,571,356 alleles (0.0076%); highest among the groups gnomAD compares: Admixed American, 0.013%; no homozygotes.

Submissions 1 to 7 of 18:

ClinGen Potassium Channel Arrhythmia Variant Curation Expert Panel, ClinGen
Classification: Uncertain significance for Long QT syndrome 1. Last evaluated: 2025-07-01. Review status: reviewed by expert panel. Criteria: ClinGen KChannel ACMG Specifications KCNQ1 V1.0.0 2. Collection method: curation. Allele origin: germline. Inheritance: Autosomal dominant inheritance.
Comment: NM_000218.3(KCNQ1):c.1831G>A is a missense variant that causes replacement of aspartic acid with asparagine at position 611. This variant is present in gnomAD v.4.1.0 at a maximum allele frequency of 0.0001289, with 7/54310 in the Admixed American population, which is lower than the ClinGen Potassium Channel Arrhythmia VCEP BS1 threshold of >0.0004 but higher than the PM2_Supporting threshold of <0.00001, so neither criterion was met. This variant is rare and has been reported in at least 4 apparently unrelated probands affected with long QT syndrome 1, however, two probands lacked the required phenotype details for inclusion in PS4_Supporting, so this code is not yet met (PMID: 19716085, PMID: 19862833, PMID: 22727609, PMID: 33614747). This variant has been detected in at least 1 individual with Jervell and Lange-Nielsen syndrome who had profound congenital deafness but only a borderline QTc interval of 446 ms, with the variant present in a compound heterozygous state, confirmed in trans with the NM_000218.3:c.546C>A (p.Ser182Arg) variant, which has not yet been classified by the ClinGen Potassium Channel Arrhythmia VCEP (PMID: 27917693). The computational predictor REVEL gives a score of 0.593, which is below the ClinGen Potassium Channel Arrhythmia VCEP PP3 threshold of >0.75 but higher than the BP4 threshold of <0.25 and does not strongly predict a damaging effect on KCNQ1 function. The computational splicing predictor SpliceAI gives a score of 0.00, which is lower than the ClinGen Potassium Channel Arrhythmia VCEP BP4 threshold of <0.2 and predicts a non-damaging effect on KCNQ1 splicing. The variant does not have a predicted impact on KCNQ1 function in the Meiler Lab functional impact predictor, due to a limitation of the model (PMID: 29021305), so PS3_Supporting is not met. In summary, this variant meets the criteria to be classified as a variant of uncertain significance for long QT syndrome 1 based on the ACMG/AMP criteria applied, as specified by the ClinGen Potassium Channel Arrhythmia VCEP: None. (VCEP specifications version 1.0.0; date of approval 03/04/2025).

CeGaT Center for Human Genetics Tuebingen
Classification: Uncertain significance. Last evaluated: 2026-08-01. Review status: criteria provided, single submitter. Criteria: CeGaT Center For Human Genetics Tuebingen Variant Classification Criteria Version 2. Collection method: clinical testing. Allele origin: germline. Affected: yes. Observed: 2 variant alleles. Not counted in ClinVar's aggregate classification.

Color Diagnostics, LLC DBA Color Health
Classification: Uncertain significance for Cardiac arrhythmia. Last evaluated: 2025-11-10. Review status: criteria provided, single submitter. Criteria: ACMG Guidelines, 2015. Collection method: clinical testing. Allele origin: germline. Not counted in ClinVar's aggregate classification.
Comment: This missense variant replaces aspartic acid with asparagine at codon 611 of the KCNQ1 protein. Computational prediction is inconclusive regarding the impact of this variant on protein structure and function. To our knowledge, functional studies have not been reported for this variant. This variant has been reported in individuals affected with long QT syndrome (PMID: 19716085, 22727609) and in an individual suspected of having Jervell and Lange-Nielsen Syndrome (PMID: 27917693). This variant has also been reported in individuals without diagnoses of KCNQ1-related disorders (PMID: 23861362, 26159999, 27917693). This variant has been identified in 119/1571356 chromosomes in the general population by the Genome Aggregation Database (gnomAD). The available evidence is insufficient to determine the role of this variant in disease conclusively. Therefore, this variant is classified as a Variant of Uncertain Significance.

Clinical Genomics Laboratory, Washington University in St. Louis
Classification: Uncertain significance for Long QT syndrome 1. Last evaluated: 2025-01-17. Review status: criteria provided, single submitter. Criteria: ACMG Guidelines, 2015. Collection method: clinical testing. Allele origin: germline. Not counted in ClinVar's aggregate classification.
Comment: The KCNQ1 c.1831G>A (p.Asp611Asn) variant has been reported in at least eight individuals with long QT syndrome (Andrsova I et al., PMID: 22727609; Diebold I et al., PMID: 32048431; Hedley PL et al., PMID: 19862833; Illikova V et al., PMID: 25554238; Kapplinger JD et al., PMID: 19716085; Kwok SY et al., PMID: 30530868; Ng D et al., PMID: 23861362; Refsgaard L et al., PMID: 22378279). This variant has been reported in the ClinVar database as a germline likely pathogenic variant by one submitter and a variant of uncertain significance by nine submitters (ClinVar Variation ID: 67059). The highest population minor allele frequency in the population genome aggregation database (gnomAD v.2.1.1) is 0.01% in an admixed American population. Computational predictors are uncertain as to the impact of this variant on KCNQ1 function. Due to limited information, and based on ACMG/AMP guidelines for variant interpretation (Richards S et al., PMID: 25741868), the clinical significance of this variant is uncertain at this time.

Labcorp Genetics (formerly Invitae), Labcorp
Classification: Uncertain significance for Long QT syndrome. Last evaluated: 2024-11-19. Review status: criteria provided, single submitter. Criteria: Invitae Variant Classification Sherloc (09022015). Collection method: clinical testing. Allele origin: germline. Not counted in ClinVar's aggregate classification.
Comment: This sequence change replaces aspartic acid, which is acidic and polar, with asparagine, which is neutral and polar, at codon 611 of the KCNQ1 protein (p.Asp611Asn). This variant is present in population databases (rs147445322, gnomAD 0.01%). This missense change has been observed in individual(s) with clinical features of Jervell and Lang-Nielsen syndrome and/or clinical features of long QT syndrome (PMID: 19716085, 22727609, 25554238, 27917693, 30530868). ClinVar contains an entry for this variant (Variation ID: 67059). Invitae Evidence Modeling of protein sequence and biophysical properties (such as structural, functional, and spatial information, amino acid conservation, physicochemical variation, residue mobility, and thermodynamic stability) indicates that this missense variant is not expected to disrupt KCNQ1 protein function with a negative predictive value of 95%. In summary, the available evidence is currently insufficient to determine the role of this variant in disease. Therefore, it has been classified as a Variant of Uncertain Significance.

All of Us Research Program, National Institutes of Health
Classification: Uncertain significance for Long QT syndrome. Last evaluated: 2024-08-13. Review status: criteria provided, single submitter. Criteria: ACMG Guidelines, 2015. Collection method: clinical testing. Allele origin: germline. Inheritance: Autosomal dominant inheritance. Observed: 39 variant alleles, 39 heterozygotes. Not counted in ClinVar's aggregate classification.
Comment: This missense variant replaces aspartic acid with asparagine at codon 611 of the KCNQ1 protein. Computational prediction is inconclusive regarding the impact of this variant on protein structure and function (internally defined REVEL score threshold 0.5 < inconclusive < 0.7, PMID: 27666373). To our knowledge, functional studies have not been performed for this variant. This variant has been reported in two individuals affected with long QT syndrome (PMID: 22727609, 33614747), in an individual referred for long QT syndrome test (PMID: 19716085), and in an individual suspected of having Jervell and Lange-Nielsen Syndrome (27917693). It has also been reported in an individual among exome sequencing participants not selected for cardiovascular disorders (PMID: 23861362) and in another two individuals with normal QTc internal (PMID: 26159999, 27917693). This variant has been identified in 17/212554 chromosomes in the general population by the Genome Aggregation Database (gnomAD). The available evidence is insufficient to determine the role of this variant in disease conclusively. Therefore, this variant is classified as a Variant of Uncertain Significance.

This study involves interpretation of variants in research participants for the purpose of population health screening. Participant phenotype was not available at the time of variant classification. Additional details can be found in publication PMID: 35346344, PMCID: PMC8962531

Blueprint Genetics
Classification: Uncertain significance. Last evaluated: 2024-04-12. Review status: criteria provided, single submitter. Criteria: ACMG Guidelines, 2015. Collection method: clinical testing. Allele origin: germline. Not counted in ClinVar's aggregate classification.